The following is an entry in ClinVar:

NM_014915.3(ANKRD26):c.440A>G (p.Asn147Ser)

Gene: ANKRD26 (ankyrin repeat domain 26; minus strand). Cytogenetic location: 10p12.1.
Variant type: single nucleotide variant.
Coding change: c.440A>G on transcript NM_014915.3 (MANE Select); coding-DNA position 440, A replaced by G.
Protein change: p.Asn147Ser; replaces asparagine 147 with serine.
Molecular consequence: missense variant.
Genome position (GRCh38, 1-based): chr10:27,093,440, T>C on the plus strand (A>G on the coding strand, the complement: ANKRD26 is on the minus strand). VCF-style: chr10-27093440-T-C. GRCh37 (hg19) VCF-style: chr10-27382369-T-C.
Other names: p.Asn147Ser; c.440A>G, p.Asn147Ser (NM_001256053.2); short protein forms N147S.
Identifiers: ClinVar variation 3871305 (VCV003871305.2).

ClinVar aggregate classification (germline): Uncertain significance. Review status: criteria provided, multiple submitters, no conflicts (2 of 4 stars). 2 submissions from 2 submitters: Uncertain significance (2). Last evaluated 2025-06-03.

Conditions:
Inborn genetic diseases. Identifiers: MedGen C0950123, MeSH D030342.

Submissions (2):

Mayo Clinic Laboratories, Mayo Clinic
Classification: Uncertain significance. Last evaluated: 2025-06-03. Review status: criteria provided, single submitter. Criteria: ACMG Guidelines, 2015. Collection method: clinical testing. Allele origin: germline. Observed: 1 variant allele.
Comment: PM2_supporting

Ambry Genetics
Classification: Uncertain significance for Inborn genetic diseases. Last evaluated: 2025-02-15. Review status: criteria provided, single submitter. Criteria: Ambry Variant Classification Scheme 2023. Collection method: clinical testing. Allele origin: germline.
Comment: The p.N147S variant (also known as c.440A>G), located in coding exon 3 of the ANKRD26 gene, results from an A to G substitution at nucleotide position 440. The asparagine at codon 147 is replaced by serine, an amino acid with highly similar properties. This amino acid position is conserved. In addition, this alteration is predicted to be tolerated by in silico analysis. Based on the available evidence, the clinical significance of this variant remains unclear.